The following is an entry in ClinVar:

ClinVar aggregate classification (germline): Uncertain significance (1 of 4 stars; one submission).

Conditions:
Gorlin syndrome. Also called: Basal cell nevus syndrome; Nevoid Basal Cell Carcinoma Syndrome. Identifiers: Orphanet 377, MedGen C0004779, MONDO:0007187.

Submission:

Labcorp Genetics (formerly Invitae), Labcorp
Classification: Uncertain significance for Gorlin syndrome. Last evaluated: 2020-05-13. Review status: criteria provided, single submitter. Criteria: Invitae Variant Classification Sherloc (09022015). Collection method: clinical testing. Allele origin: germline.
Comment: This sequence change falls in intron 18 of the PTCH1 gene. It does not directly change the encoded amino acid sequence of the PTCH1 protein, but it affects a nucleotide within the consensus splice site of the intron. In summary, the available evidence is currently insufficient to determine the role of this variant in disease. Therefore, it has been classified as a Variant of Uncertain Significance. Nucleotide substitutions within the consensus splice site are a relatively common cause of aberrant splicing (PMID: 17576681, 9536098). Algorithms developed to predict the effect of sequence changes on RNA splicing suggest that this variant may disrupt the consensus splice site, but this prediction has not been confirmed by published transcriptional studies. This variant has not been reported in the literature in individuals with PTCH1-related conditions. This variant is not present in population databases (ExAC no frequency).

Literature cited by the submitters: PubMed 17576681; PubMed 9536098.

NM_000264.5(PTCH1):c.3168+6T>A

Gene: PTCH1 (patched 1; minus strand). Cytogenetic location: 9q22.32.
Variant type: single nucleotide variant.
Coding change: c.3168+6T>A on transcript NM_000264.5 (MANE Select); 6 bases into the intron after coding-DNA position 3168, T replaced by A.
Molecular consequence: intron variant.
Genome position (GRCh38, 1-based): chr9:95,458,007, A>T on the plus strand (T>A on the coding strand, the complement: PTCH1 is on the minus strand). VCF-style: chr9-95458007-A-T. GRCh37 (hg19) VCF-style: chr9-98220289-A-T.
Other names: c.3165+6T>A (NM_001083603.3); c.2970+6T>A (NM_001083602.3); c.3012+6T>A (NM_001354918.2); c.2715+6T>A (NM_001083605.3, NM_001083604.3, NM_001083606.3 and 1 more transcripts).
Identifiers: ClinVar variation 956234 (VCV000956234.10), dbSNP rs1839094345, ClinGen allele CA1139661043.